The following is an entry in ClinVar:

NM_000051.4(ATM):c.1495C>A (p.Gln499Lys)

Gene: ATM (ATM serine/threonine kinase; plus strand). Cytogenetic location: 11q22.3.
Variant type: single nucleotide variant.
Coding change: c.1495C>A on transcript NM_000051.4 (MANE Select); coding-DNA position 1495, C replaced by A.
Protein change: p.Gln499Lys; replaces glutamine 499 with lysine.
Molecular consequence: missense variant.
Genome position (GRCh38, 1-based): chr11:108,250,960, C>A. VCF-style: chr11-108250960-C-A. GRCh37 (hg19) VCF-style: chr11-108121687-C-A.
Other names: c.1495C>A, p.Gln499Lys (NM_001351834.2); short protein forms Q499K.
Identifiers: ClinVar variation 4809381 (VCV004809381.1).
Genomic context (GRCh38, chr11:108,250,960, plus strand): 5'-GATTTATTAAAACTCTGGAATAAAATTTGGTGTATTACCTTTCGTGGTATAAGTTCTGAG[C>A]AAATACAAGCTGAAAACTTTGGCTTACTTGGAGCCATAATTCAGGGTAGTTTAGTTGAGG-3'
Protein context (NP_000042.3, residues 489-509): CITFRGISSE[Gln499Lys]IQAENFGLLG

ClinVar aggregate classification (germline): Uncertain significance (1 of 4 stars; one submission).

Conditions:
Ataxia-telangiectasia syndrome (AT). Also called: Ataxia-telangiectasia, complementation group E; Ataxia telangiectasia (A-T); LOUIS-BAR SYNDROME; Ataxia-telangiectasia, complementation group D; AT, COMPLEMENTATION GROUP C; ATAXIA-TELANGIECTASIA, COMPLEMENTATION GROUP A. Identifiers: Orphanet 100, MedGen C0004135, MONDO:0008840, OMIM 208900.

Submission:

Labcorp Genetics (formerly Invitae), Labcorp
Classification: Uncertain significance for Ataxia-telangiectasia syndrome. Last evaluated: 2025-07-15. Review status: criteria provided, single submitter. Criteria: Invitae Variant Classification Sherloc (09022015). Collection method: clinical testing. Allele origin: germline.
Comment: This sequence change replaces glutamine, which is neutral and polar, with lysine, which is basic and polar, at codon 499 of the ATM protein (p.Gln499Lys). This variant is not present in population databases (gnomAD no frequency). This variant has not been reported in the literature in individuals affected with ATM-related conditions. Invitae Evidence Modeling of protein sequence and biophysical properties (such as structural, functional, and spatial information, amino acid conservation, physicochemical variation, residue mobility, and thermodynamic stability) indicates that this missense variant is not expected to disrupt ATM protein function with a negative predictive value of 95%. In summary, the available evidence is currently insufficient to determine the role of this variant in disease. Therefore, it has been classified as a Variant of Uncertain Significance.